The following is an entry in ClinVar:

ClinVar aggregate classification (germline): Benign (1 of 4 stars; one submission).

Conditions:
Sorsby fundus dystrophy (SFD). Also called: MACULAR DYSTROPHY, HEMORRHAGIC; Sorsby fundus dystrophy, Lavia type; FUNDUS DYSTROPHY, PSEUDOINFLAMMATORY, OF SORSBY. Identifiers: Orphanet 59181, MedGen C1850938, MONDO:0007640, OMIM 136900.

Allele frequency attached by ClinVar (database versions not stated): TOPMed 0.00002; gnomAD 0.00004 and 0.00010; 1000 Genomes Project 30x 0.00031; 1000 Genomes Project 0.00040.

Submission:

Illumina Laboratory Services, Illumina
Classification: Benign for Sorsby fundus dystrophy. Last evaluated: 2018-01-13. Review status: criteria provided, single submitter. Criteria: ICSL Variant Classification Criteria 13 December 2019. Collection method: clinical testing. Allele origin: germline.
Comment: This variant was observed in the ICSL laboratory as part of a predisposition screen in an ostensibly healthy population. It had not been previously curated by ICSL or reported in the Human Gene Mutation Database (HGMD: prior to June 1st, 2018), and was therefore a candidate for classification through an automated scoring system. Utilizing variant allele frequency, disease prevalence and penetrance estimates, and inheritance mode, an automated score was calculated to assess if this variant is too frequent to cause the disease. Based on the score and internal cut-off values, a variant classified as benign is not then subjected to further curation. The score for this variant resulted in a classification of benign for this disease.

NM_000362.5(TIMP3):c.*1495G>A

Genes: SYN3 (synapsin III; minus strand), TIMP3 (TIMP metallopeptidase inhibitor 3; plus strand). Cytogenetic location: 22q12.3.
Variant type: single nucleotide variant.
Coding change: c.*1495G>A on transcript NM_000362.5 (MANE Select); 1495 bases downstream of the stop codon, G replaced by A.
Molecular consequence: 3 prime UTR variant. On other transcripts: intron variant (7).
Genome position (GRCh38, 1-based): chr22:32,860,872, G>A. VCF-style: chr22-32860872-G-A. GRCh37 (hg19) VCF-style: chr22-33256859-G-A.
Other names: c.708+4043C>T (NM_001369909.1, NM_001135774.2, NM_001369910.1); c.711+4043C>T (NM_001369907.1, NM_003490.4, NM_001369908.1 and 1 more transcripts).
Identifiers: ClinVar variation 341363 (VCV000341363.5), dbSNP rs536147838, ClinGen allele CA10651162.